The following is an entry in ClinVar:

NM_022902.5(SLC30A5):c.706C>T (p.Arg236Cys)

Gene: SLC30A5 (solute carrier family 30 member 5; plus strand). Cytogenetic location: 5q13.2.
Variant type: single nucleotide variant.
Coding change: c.706C>T on transcript NM_022902.5 (MANE Select); coding-DNA position 706, C replaced by T.
Protein change: p.Arg236Cys; replaces arginine 236 with cysteine.
Molecular consequence: missense variant.
Genome position (GRCh38, 1-based): chr5:69,115,330, C>T. VCF-style: chr5-69115330-C-T. GRCh37 (hg19) VCF-style: chr5-68411157-C-T.
Other names: short protein forms R236C.
Identifiers: ClinVar variation 4864607 (VCV004864607.1).

ClinVar aggregate classification (germline): Uncertain significance (1 of 4 stars; one submission).

gnomAD v4.1: 15 of 1,613,898 alleles (0.00093%); highest among the groups gnomAD compares: Non-Finnish European, 0.0011%; no homozygotes.

Submission:

Ambry Genetics
Classification: Uncertain significance. Last evaluated: 2026-04-11. Review status: criteria provided, single submitter. Criteria: Ambry Variant Classification Scheme 2023. Collection method: clinical testing. Allele origin: germline.
Comment: The c.706C>T (p.R236C) alteration is located in exon 8 (coding exon 8) of the SLC30A5 gene. This alteration results from a C to T substitution at nucleotide position 706, causing the arginine (R) at amino acid position 236 to be replaced by a cysteine (C). Based on data from gnomAD, the T allele has an overall frequency of <0.001% (1/251468) total alleles studied. The highest observed frequency was 0.001% (1/113750) of European (non-Finnish) alleles. Based on insufficient or conflicting evidence, the clinical significance of this alteration remains unclear.